The following is an entry in ClinVar:

NM_024513.4(FYCO1):c.3861del (p.Glu1287fs)

Gene: FYCO1 (FYVE and coiled-coil domain autophagy adaptor 1; minus strand). Cytogenetic location: 3p21.31.
Variant type: Deletion.
Coding change: c.3861del on transcript NM_024513.4 (MANE Select); coding-DNA position 3861, one base deleted (A; older notation c.3861delA).
Protein change: p.Glu1287fs; shifts the reading frame from glutamic acid 1287.
Molecular consequence: frameshift variant. On other transcripts: non-coding transcript variant (1).
Genome position (GRCh38, 1-based): chr3:45,955,332, T deleted on the plus strand (A on the coding strand, the reverse complement: FYCO1 is on the minus strand); the first of 2 consecutive T bases (chr3:45,955,332-45,955,333); deleting either gives the same sequence. VCF-style (leftmost placement, unchanged base first): chr3-45955331-AT-A. GRCh37 (hg19) VCF-style: chr3-45996823-AT-A.
Other names: c.3861del, p.Glu1287fs (NM_001386421.1, NM_001386422.1, NM_001386424.1 and 3 more transcripts); c.3858del, p.Glu1286fs (NM_001386423.1); c.3741del, p.Glu1247fs (NM_001386426.1); c.3717del, p.Glu1239fs (NM_001386427.1); c.3261del, p.Glu1087fs (NM_001386430.1); short protein forms E1087fs, E1239fs, E1287fs, E1247fs, E1286fs.
Identifiers: ClinVar variation 1386641 (VCV001386641.6), dbSNP rs777269054, ClinGen allele CA2352657.

ClinVar aggregate classification (germline): Pathogenic (1 of 4 stars; one submission).

Conditions:
Cataract 18 (CATC2). Also called: CATARACT 18, AUTOSOMAL RECESSIVE. Identifiers: Orphanet 91492, Orphanet 98991, Orphanet 98992, Orphanet 98995, MedGen C1864908, MONDO:0012395, OMIM 610019.

Submission:

Labcorp Genetics (formerly Invitae), Labcorp
Classification: Pathogenic for Cataract 18. Last evaluated: 2024-12-09. Review status: criteria provided, single submitter. Criteria: Invitae Variant Classification Sherloc (09022015). Collection method: clinical testing. Allele origin: germline.
Comment: This sequence change creates a premature translational stop signal (p.Glu1287Aspfs*36) in the FYCO1 gene. It is expected to result in an absent or disrupted protein product. Loss-of-function variants in FYCO1 are known to be pathogenic (PMID: 21636066). This variant is present in population databases (rs777269054, gnomAD 0.01%). This variant has not been reported in the literature in individuals affected with FYCO1-related conditions. ClinVar contains an entry for this variant (Variation ID: 1386641). For these reasons, this variant has been classified as Pathogenic.

Literature cited by the submitters: PubMed 21636066.